The following is an entry in ClinVar:

NM_006785.4(MALT1):c.202C>A (p.Arg68Ser)

Genes: MALT1 (MALT1 paracaspase; plus strand), MALT1-AS1 (MALT1 antisense RNA 1; minus strand), LOC130062586 (ATAC-STARR-seq lymphoblastoid silent region 9487; plus strand). Cytogenetic location: 18q21.32.
Variant type: single nucleotide variant.
Coding change: c.202C>A on transcript NM_006785.4 (MANE Select); coding-DNA position 202, C replaced by A.
Protein change: p.Arg68Ser; replaces arginine 68 with serine.
Molecular consequence: missense variant. On other transcripts: non-coding transcript variant (1).
Genome position (GRCh38, 1-based): chr18:58,671,845, C>A. VCF-style: chr18-58671845-C-A. GRCh37 (hg19) VCF-style: chr18-56339077-C-A.
Other names: c.202C>A, p.Arg68Ser (NM_173844.3); short protein forms R68S.
Identifiers: ClinVar variation 854322 (VCV000854322.8), dbSNP rs1020525635, ClinGen allele CA300934700.

ClinVar aggregate classification (germline): Uncertain significance (1 of 4 stars; one submission).

Conditions:
Combined immunodeficiency due to MALT1 deficiency. Also called: Immunodeficiency 12. Identifiers: Orphanet 397964, MedGen C3809583, MONDO:0014197, OMIM 615468.

Allele frequency attached by ClinVar (database versions not stated): gnomAD 0.00001; TOPMed 0.00003.
gnomAD v4.1: 4 of 1,227,628 alleles (0.00033%); highest among the groups gnomAD compares: Admixed American, 0.0086%; no homozygotes.

Submission:

Labcorp Genetics (formerly Invitae), Labcorp
Classification: Uncertain significance for Combined immunodeficiency due to MALT1 deficiency. Last evaluated: 2021-05-29. Review status: criteria provided, single submitter. Criteria: Invitae Variant Classification Sherloc (09022015). Collection method: clinical testing. Allele origin: germline.
Comment: In summary, the available evidence is currently insufficient to determine the role of this variant in disease. Therefore, it has been classified as a Variant of Uncertain Significance. Algorithms developed to predict the effect of missense changes on protein structure and function (SIFT, PolyPhen-2, Align-GVGD) all suggest that this variant is likely to be tolerated, but these predictions have not been confirmed by published functional studies and their clinical significance is uncertain. This variant has not been reported in the literature in individuals with MALT1-related conditions. The frequency data for this variant in the population databases is considered unreliable, as metrics indicate insufficient coverage at this position in the ExAC database. This sequence change replaces arginine with serine at codon 68 of the MALT1 protein (p.Arg68Ser). The arginine residue is moderately conserved and there is a moderate physicochemical difference between arginine and serine.